The following is an entry in ClinVar:

ClinVar aggregate classification (germline): Likely benign (0 of 4 stars; one submission).

Conditions:
FAT3-related disorder. Also called: FAT3-related condition.

Allele frequency attached by ClinVar (database versions not stated): ESP Exome Variant Server 0.00016; gnomAD exomes 0.00018; ExAC 0.00026; TOPMed 0.00099; gnomAD 0.00139; 1000 Genomes Project 0.00140; 1000 Genomes Project 30x 0.00141.
gnomAD v4.1: 473 of 1,613,780 alleles (0.029%); highest among the groups gnomAD compares: Admixed American, 0.46%; 10 homozygotes.

Submission:

PreventionGenetics, part of Exact Sciences
Classification: Likely benign for FAT3-related condition. Last evaluated: 2019-09-19. Review status: no assertion criteria provided. Collection method: clinical testing. Allele origin: germline.
Comment: This variant is classified as likely benign based on ACMG/AMP sequence variant interpretation guidelines (Richards et al. 2015 PMID: 25741868, with internal and published modifications).

NM_001367949.2(FAT3):c.8862C>T (p.Ser2954=)

Gene: FAT3 (FAT atypical cadherin 3; plus strand). Cytogenetic location: 11q14.3.
Variant type: single nucleotide variant.
Coding change: c.8862C>T on transcript NM_001367949.2 (MANE Select); coding-DNA position 8862, C replaced by T.
Protein change: p.Ser2954=; no amino-acid change (serine 2954 retained).
Molecular consequence: synonymous variant.
Genome position (GRCh38, 1-based): chr11:92,801,875, C>T. VCF-style: chr11-92801875-C-T. GRCh37 (hg19) VCF-style: chr11-92535041-C-T.
Other names: c.8862C>T, p.Ser2954= (NM_001008781.3).
Identifiers: ClinVar variation 3039961 (VCV003039961.2), dbSNP rs192587610, ClinGen allele CA6227719.